The following is an entry in ClinVar:

NM_133497.4(KCNV2):c.982_1000del (p.Arg328fs)

Gene: KCNV2 (potassium voltage-gated channel modifier subfamily V member 2; plus strand). Cytogenetic location: 9p24.2.
Variant type: Deletion.
Coding change: c.982_1000del on transcript NM_133497.4 (MANE Select); coding-DNA positions 982 to 1000, 19 bases deleted (AGGCGCTTCGCGCGCAGCG).
Protein change: p.Arg328fs; shifts the reading frame from arginine 328.
Molecular consequence: frameshift variant.
Genome position (GRCh38, 1-based): chr9:2,718,721-2,718,739, AGGCGCTTCGCGCGCAGCG deleted; deleting any 19 consecutive bases within chr9:2,718,720-2,718,739 gives the same sequence; the c. name uses the placement nearest the transcript's 3' end. VCF-style (leftmost placement, unchanged base first): chr9-2718719-TGAGGCGCTTCGCGCGCAGC-T. GRCh37 (hg19) VCF-style: chr9-2718719-TGAGGCGCTTCGCGCGCAGC-T.
Other names: short protein forms R328fs.
Identifiers: ClinVar variation 866929 (VCV000866929.12), dbSNP rs1819797791, ClinGen allele CA916083040.

ClinVar aggregate classification (germline): Pathogenic/Likely pathogenic. Review status: criteria provided, multiple submitters, no conflicts (2 of 4 stars). 2 submissions from 2 submitters: Pathogenic (1); Likely pathogenic (1). Last evaluated 2020-07-10.

Conditions:
KCNV2-related disorder. Also called: KCNV2-related condition.

Submissions (2):

Labcorp Genetics (formerly Invitae), Labcorp
Classification: Pathogenic. Last evaluated: 2020-07-10. Review status: criteria provided, single submitter. Criteria: Invitae Variant Classification Sherloc (09022015). Collection method: clinical testing. Allele origin: germline.
Comment: This sequence change results in a premature translational stop signal in the KCNV2 gene (p.Arg328Profs*120). While this is not anticipated to result in nonsense mediated decay, it is expected to disrupt the last 426 amino acids of the KCNV2 protein. This variant is not present in population databases (ExAC no frequency). This variant has not been reported in the literature in individuals with KCNV2-related conditions. This variant disrupts the C-terminus of the KCNV2 protein. Other variant(s) that disrupt this region (p.Leu469Trpfs*35) have been determined to be pathogenic (PMID: 18400204). This suggests that variants that disrupt this region of the protein are likely to be causative of disease. For these reasons, this variant has been classified as Pathogenic.

Blueprint Genetics
Classification: Likely pathogenic for KCNV2-related disorders. Last evaluated: 2018-02-16. Review status: criteria provided, single submitter. Criteria: ACMG Guidelines, 2015. Collection method: clinical testing. Allele origin: germline. Affected: yes. Observed: 1 variant allele.

Literature cited by the submitters: PubMed 18400204 (cited by Labcorp Genetics (formerly Invitae), Labcorp).